The following is an entry in ClinVar:

ClinVar aggregate classification (germline): Uncertain significance. Review status: criteria provided, multiple submitters, no conflicts (2 of 4 stars). 2 submissions from 2 submitters: Uncertain significance (2). Last evaluated 2024-03-06.

Conditions:
Cardiomyopathy (CMYO). Also called: Cardiomyopathies. Identifiers: Orphanet 167848, MedGen C0878544, MONDO:0004994, HP:0001638. Inheritance: Various modes of inheritance.
Arrhythmogenic right ventricular dysplasia 10. Also called: Arrhythmogenic Right Ventricular Dysplasia/Cardiomyopathy10; ARRHYTHMOGENIC RIGHT VENTRICULAR DYSPLASIA, FAMILIAL, 10; Arrhythmogenic right ventricular dysplasia/cardiomyopathy, type 10. Identifiers: MedGen C1857777, MONDO:0012434, OMIM 610193.

Submissions (2):

Color Diagnostics, LLC DBA Color Health
Classification: Uncertain significance for Cardiomyopathy. Last evaluated: 2024-03-06. Review status: criteria provided, single submitter. Criteria: ACMG Guidelines, 2015. Collection method: clinical testing. Allele origin: germline.
Comment: This missense variant replaces phenylalanine with leucine at codon 672 of the DSG2 protein. Computational prediction suggests that this variant may not impact protein structure and function (internally defined REVEL score threshold <= 0.5, PMID: 27666373). To our knowledge, functional studies have not been reported for this variant. This variant has not been reported in individuals affected with cardiovascular disorders in the literature. This variant has not been identified in the general population by the Genome Aggregation Database (gnomAD). The available evidence is insufficient to determine the role of this variant in disease conclusively. Therefore, this variant is classified as a Variant of Uncertain Significance.

Labcorp Genetics (formerly Invitae), Labcorp
Classification: Uncertain significance for Arrhythmogenic right ventricular dysplasia 10. Last evaluated: 2022-07-19. Review status: criteria provided, single submitter. Criteria: Invitae Variant Classification Sherloc (09022015). Collection method: clinical testing. Allele origin: germline.
Comment: In summary, the available evidence is currently insufficient to determine the role of this variant in disease. Therefore, it has been classified as a Variant of Uncertain Significance. Algorithms developed to predict the effect of missense changes on protein structure and function output the following: SIFT: "Tolerated"; PolyPhen-2: "Benign"; Align-GVGD: "Class C0". The leucine amino acid residue is found in multiple mammalian species, which suggests that this missense change does not adversely affect protein function. ClinVar contains an entry for this variant (Variation ID: 1388667). This variant has not been reported in the literature in individuals affected with DSG2-related conditions. This variant is not present in population databases (gnomAD no frequency). This sequence change replaces phenylalanine, which is neutral and non-polar, with leucine, which is neutral and non-polar, at codon 672 of the DSG2 protein (p.Phe672Leu).

NM_001943.5(DSG2):c.2014T>C (p.Phe672Leu)

Genes: DSG2 (desmoglein 2; plus strand), DSG2-AS1 (DSG2 antisense RNA 1; minus strand). Cytogenetic location: 18q12.1.
Variant type: single nucleotide variant.
Coding change: c.2014T>C on transcript NM_001943.5 (MANE Select); coding-DNA position 2014, T replaced by C.
Protein change: p.Phe672Leu; replaces phenylalanine 672 with leucine.
Molecular consequence: missense variant.
Genome position (GRCh38, 1-based): chr18:31,542,532, T>C. VCF-style: chr18-31542532-T-C. GRCh37 (hg19) VCF-style: chr18-29122495-T-C.
Other names: short protein forms F672L.
Identifiers: ClinVar variation 1388667 (VCV001388667.8), dbSNP rs2144352923, ClinGen allele CA402140961.